The following is an entry in ClinVar:

ClinVar aggregate classification (germline): Pathogenic (1 of 4 stars; one submission).

Conditions:
Hereditary spastic paraplegia 31. Also called: SPASTIC PARAPLEGIA 31, AUTOSOMAL DOMINANT. Identifiers: Orphanet 101011, MedGen C1853247, MONDO:0012453, OMIM 610250.

Submission:

Labcorp Genetics (formerly Invitae), Labcorp
Classification: Pathogenic for Hereditary spastic paraplegia 31. Last evaluated: 2023-10-22. Review status: criteria provided, single submitter. Criteria: Invitae Variant Classification Sherloc (09022015). Collection method: clinical testing. Allele origin: germline.
Comment: This variant is a gross deletion of the genomic region encompassing exon(s) 3 of the REEP1 gene. This deletion is out-of-frame, and is expected to create a premature termination codon and result in an absent or disrupted protein product. Loss-of-function variants in REEP1 are known to be pathogenic (PMID: 18321925, 18644145, 22703882). A similar copy number variant has been observed in individual(s) with spastic paraplegia (PMID: 21618648). For these reasons, this variant has been classified as Pathogenic.

Literature cited by the submitters: PubMed 18321925; PubMed 18644145; PubMed 22703882; PubMed 21618648.

NC_000002.12:g.(?_86263945)_(86264061_?)del

Gene: REEP1 (receptor accessory protein 1; minus strand). Cytogenetic location: 2p11.2.
Variant type: Deletion.
Identifiers: ClinVar variation 465818 (VCV000465818.3).